The following is an entry in ClinVar:

NM_001122681.2(SH3BP2):c.296T>A (p.Ile99Asn)

Gene: SH3BP2 (SH3 domain binding protein 2; plus strand). Cytogenetic location: 4p16.3.
Variant type: single nucleotide variant.
Coding change: c.296T>A on transcript NM_001122681.2 (MANE Select); coding-DNA position 296, T replaced by A.
Protein change: p.Ile99Asn; replaces isoleucine 99 with asparagine.
Molecular consequence: missense variant.
Genome position (GRCh38, 1-based): chr4:2,824,669, T>A. VCF-style: chr4-2824669-T-A. GRCh37 (hg19) VCF-style: chr4-2826396-T-A.
Other names: c.380T>A, p.Ile127Asn (NM_001145855.2); c.467T>A, p.Ile156Asn (NM_001145856.2); c.296T>A, p.Ile99Asn (NM_003023.4); short protein forms I156N, I99N, I127N.
Identifiers: ClinVar variation 2734120 (VCV002734120.3), dbSNP rs548574112, ClinGen allele CA2818998.
Genomic context (GRCh38, chr4:2,824,669, plus strand): 5'-CCAGGGTGATGCGGGCGGCTGAGGAGACCACGTCCAACAACGTTTTCCCCTTCAAGATCA[T>A]CCATATCAGCAAGAAGCACCGCACGTGGTTCTTCTCGGCCTCCTCCGAGGAGGAGCGCAA-3'
Protein context (NP_001116153.1, residues 89-109): TSNNVFPFKI[Ile99Asn]HISKKHRTWF

ClinVar aggregate classification (germline): Uncertain significance (1 of 4 stars; one submission).

Conditions:
Fibrous dysplasia of jaw (CRBM). Also called: Cherubism. Identifiers: Orphanet 184, MedGen C0008029, MONDO:0007315, OMIM 118400.

Allele frequency attached by ClinVar (database versions not stated): ExAC 0.00001; gnomAD 0.00001; 1000 Genomes Project 30x 0.00016; 1000 Genomes Project 0.00020.
gnomAD v4.1: 1 of 1,613,952 alleles (0.000062%); highest among the groups gnomAD compares: African/African-American, 0.0013%; no homozygotes.

Submission:

Labcorp Genetics (formerly Invitae), Labcorp
Classification: Uncertain significance for Fibrous dysplasia of jaw. Last evaluated: 2023-06-30. Review status: criteria provided, single submitter. Criteria: Invitae Variant Classification Sherloc (09022015). Collection method: clinical testing. Allele origin: germline.
Comment: This sequence change replaces isoleucine, which is neutral and non-polar, with asparagine, which is neutral and polar, at codon 99 of the SH3BP2 protein (p.Ile99Asn). This variant is present in population databases (rs548574112, gnomAD 0.007%). This variant has not been reported in the literature in individuals affected with SH3BP2-related conditions. Advanced modeling of protein sequence and biophysical properties (such as structural, functional, and spatial information, amino acid conservation, physicochemical variation, residue mobility, and thermodynamic stability) performed at Invitae indicates that this missense variant is not expected to disrupt SH3BP2 protein function. In summary, the available evidence is currently insufficient to determine the role of this variant in disease. Therefore, it has been classified as a Variant of Uncertain Significance.